The following is an entry in ClinVar:

ClinVar aggregate classification (germline): Uncertain significance (1 of 4 stars; one submission).

Allele frequency attached by ClinVar (database versions not stated): gnomAD exomes below 0.00001.
gnomAD v4.1: 1 of 1,613,840 alleles (0.000062%); highest among the groups gnomAD compares: Non-Finnish European, 0.000085%; no homozygotes.

Submission:

Labcorp Genetics (formerly Invitae), Labcorp
Classification: Uncertain significance. Last evaluated: 2023-10-13. Review status: criteria provided, single submitter. Criteria: Invitae Variant Classification Sherloc (09022015). Collection method: clinical testing. Allele origin: germline.
Comment: This sequence change replaces aspartic acid, which is acidic and polar, with glycine, which is neutral and non-polar, at codon 84 of the C1QBP protein (p.Asp84Gly). This variant is not present in population databases (gnomAD no frequency). This variant has not been reported in the literature in individuals affected with C1QBP-related conditions. ClinVar contains an entry for this variant (Variation ID: 2008473). Advanced modeling of protein sequence and biophysical properties (such as structural, functional, and spatial information, amino acid conservation, physicochemical variation, residue mobility, and thermodynamic stability) performed at Invitae indicates that this missense variant is not expected to disrupt C1QBP protein function. In summary, the available evidence is currently insufficient to determine the role of this variant in disease. Therefore, it has been classified as a Variant of Uncertain Significance.

NM_001212.4(C1QBP):c.251A>G (p.Asp84Gly)

Gene: C1QBP (complement C1q binding protein; minus strand). Cytogenetic location: 17p13.2.
Variant type: single nucleotide variant.
Coding change: c.251A>G on transcript NM_001212.4 (MANE Select); coding-DNA position 251, A replaced by G.
Protein change: p.Asp84Gly; replaces aspartic acid 84 with glycine.
Molecular consequence: missense variant.
Genome position (GRCh38, 1-based): chr17:5,438,255, T>C on the plus strand (A>G on the coding strand, the complement: C1QBP is on the minus strand). VCF-style: chr17-5438255-T-C. GRCh37 (hg19) VCF-style: chr17-5341575-T-C.
Other names: short protein forms D84G.
Identifiers: ClinVar variation 2008473 (VCV002008473.4), dbSNP rs2507769999, ClinGen allele CA397373487.
Genomic context (GRCh38, chr17:5,438,255, plus strand): 5'-TTAGGGAGGGTTTTATGCTTCTGAATTTTTCTTTCCTCCTTAATTTCATCACTCAGGAAA[T>C]CAACAAAAGCTTTGTCTCCTAGAAAAGAAATCCAGATACATAAAAAGGAAAGCCAGTTAG-3'
Protein context (NP_001203.1, residues 74-94): LHTDGDKAFV[Asp84Gly]FLSDEIKEER